The following is an entry in ClinVar:

ClinVar aggregate classification (germline): Benign. Review status: criteria provided, multiple submitters, no conflicts (2 of 4 stars). 7 submissions from 7 submitters: Benign (7). Last evaluated 2026-01-31.

Conditions:
Aortic aneurysm, familial thoracic 10 (AAT10). Identifiers: MedGen C4284414, MONDO:0014950, OMIM 617168.
Cardiovascular phenotype. Identifiers: MedGen CN230736.
Familial thoracic aortic aneurysm and aortic dissection (TAAD). Also called: Thoracic aortic aneurysms and dissections. Identifiers: Orphanet 91387, MedGen C4707243, MONDO:0019625.

Allele frequency attached by ClinVar (database versions not stated): gnomAD 0.00333 and 0.00385; TOPMed 0.00593; 1000 Genomes Project 30x 0.00843; 1000 Genomes Project 0.00919.
gnomAD v4.1: 4,690 of 1,552,762 alleles (0.3%); highest among the groups gnomAD compares: East Asian, 5.8%; 139 homozygotes.

Submissions (7):

Labcorp Genetics (formerly Invitae), Labcorp
Classification: Benign. Last evaluated: 2026-01-31. Review status: criteria provided, single submitter. Criteria: Invitae Variant Classification Sherloc (09022015). Collection method: clinical testing. Allele origin: germline.

ARUP Laboratories, Molecular Genetics and Genomics, ARUP Laboratories
Classification: Benign for Aortic aneurysm, familial thoracic 10. Last evaluated: 2025-07-10. Review status: criteria provided, single submitter. Criteria: ARUP Molecular Germline Variant Investigation Process 2024. Collection method: clinical testing. Allele origin: germline.

Mayo Clinic Laboratories, Mayo Clinic
Classification: Benign. Last evaluated: 2023-03-12. Review status: criteria provided, single submitter. Criteria: ACMG Guidelines, 2015. Collection method: clinical testing. Allele origin: germline. Observed: 4 variant alleles.

CHEO Genetics Diagnostic Laboratory, Children's Hospital of Eastern Ontario
Classification: Benign for Familial thoracic aortic aneurysm and aortic dissection. Last evaluated: 2023-02-08. Review status: criteria provided, single submitter. Criteria: ACMG Guidelines, 2015. Collection method: clinical testing. Allele origin: germline.

Ambry Genetics
Classification: Benign for Cardiovascular phenotype. Last evaluated: 2019-06-13. Review status: criteria provided, single submitter. Criteria: Ambry Variant Classification Scheme 2023. Collection method: clinical testing. Allele origin: germline.

GeneDx
Classification: Benign. Last evaluated: 2018-10-09. Review status: criteria provided, single submitter. Criteria: GeneDx Variant Classification Process June 2021. Collection method: clinical testing. Allele origin: germline. Affected: yes.

Women's Health and Genetics/Laboratory Corporation of America, LabCorp
Classification: Benign. Last evaluated: 2017-07-17. Review status: criteria provided, single submitter. Criteria: LabCorp Variant Classification Summary - May 2015. Collection method: clinical testing. Allele origin: germline.
Comment: Variant summary: The LOX c.225C>G (p.Ala75Ala) variant involves the alteration of a non-conserved nucleotide, resulting in a synonymous change. Mutation taster predicts a damaging outcome for this variant. 4/5 splice prediction tools predict no significant impact on normal splicing. ESE finder predicts that this variant may affect binding of multiple ESE sites. However, these predictions have yet to be confirmed by functional studies. This variant was found in 234/21640 control chromosomes (7 homozygotes) from ExAC at a frequency of 0.0108133, which is approximately 649 times the estimated maximal expected allele frequency of a pathogenic LOX variant (0.0000167), strongly indicating this variant is likely a benign polymorphism. Taken together, this variant is classified as benign.

NM_002317.7(LOX):c.225C>G (p.Ala75=)

Genes: LOX (lysyl oxidase; minus strand), SRFBP1 (serum response factor binding protein 1; plus strand). Cytogenetic location: 5q23.1.
Variant type: single nucleotide variant.
Coding change: c.225C>G on transcript NM_002317.7 (MANE Select); coding-DNA position 225, C replaced by G.
Protein change: p.Ala75=; no amino-acid change (alanine 75 retained).
Molecular consequence: synonymous variant.
Genome position (GRCh38, 1-based): chr5:122,077,761, G>C on the plus strand (C>G on the coding strand, the complement: LOX is on the minus strand). VCF-style: chr5-122077761-G-C. GRCh37 (hg19) VCF-style: chr5-121413456-G-C.
Other names: p.Ala75=.
Identifiers: ClinVar variation 496150 (VCV000496150.22), dbSNP rs2278226, ClinGen allele CA3384095.